The following is an entry in ClinVar:

ClinVar aggregate classification (germline): Uncertain significance (1 of 4 stars; one submission).

gnomAD v4.1: 4 of 1,614,012 alleles (0.00025%); highest among the groups gnomAD compares: Non-Finnish European, 0.00034%; no homozygotes.

Submission:

Labcorp Genetics (formerly Invitae), Labcorp
Classification: Uncertain significance. Last evaluated: 2025-04-23. Review status: criteria provided, single submitter. Criteria: Invitae Variant Classification Sherloc (09022015). Collection method: clinical testing. Allele origin: germline.
Comment: This sequence change replaces glycine, which is neutral and non-polar, with glutamic acid, which is acidic and polar, at codon 1299 of the ADGRA3 protein (p.Gly1299Glu). This variant is not present in population databases (gnomAD no frequency). This variant has not been reported in the literature in individuals affected with ADGRA3-related conditions. An algorithm developed to predict the effect of missense changes on protein structure and function (PolyPhen-2) suggests that this variant is likely to be tolerated. In summary, the available evidence is currently insufficient to determine the role of this variant in disease. Therefore, it has been classified as a Variant of Uncertain Significance.

NM_145290.4(ADGRA3):c.3896G>A (p.Gly1299Glu)

Gene: ADGRA3 (adhesion G protein-coupled receptor A3; minus strand). Cytogenetic location: 4p15.2.
Variant type: single nucleotide variant.
Coding change: c.3896G>A on transcript NM_145290.4 (MANE Select); coding-DNA position 3896, G replaced by A.
Protein change: p.Gly1299Glu; replaces glycine 1299 with glutamic acid.
Molecular consequence: missense variant.
Genome position (GRCh38, 1-based): chr4:22,387,775, C>T on the plus strand (G>A on the coding strand, the complement: ADGRA3 is on the minus strand). VCF-style: chr4-22387775-C-T. GRCh37 (hg19) VCF-style: chr4-22389398-C-T.
Other names: short protein forms G1299E.
Identifiers: ClinVar variation 4700732 (VCV004700732.1).
Genomic context (GRCh38, chr4:22,387,775, plus strand): 5'-GTTTCGTGTTTCCATAATCCAGTCCTAACATTGCCAGTGCTATCGGTACCGAGCAAGGGT[C>T]CCTCCTGCCCATTGCTTTTAATTGGTCCATTCTGAATGGCCAAGTTGAGGCCATAAGATT-3'
Protein context (NP_660333.2, residues 1289-1309): NGPIKSNGQE[Gly1299Glu]PLLGTDSTGN